The following is an entry in ClinVar:

NM_020806.5(GPHN):c.673G>T (p.Ala225Ser)

Gene: GPHN (gephyrin; plus strand). Cytogenetic location: 14q23.3.
Variant type: single nucleotide variant.
Coding change: c.673G>T on transcript NM_020806.5 (MANE Select); coding-DNA position 673, G replaced by T.
Protein change: p.Ala225Ser; replaces alanine 225 with serine.
Molecular consequence: missense variant.
Genome position (GRCh38, 1-based): chr14:66,922,882, G>T. VCF-style: chr14-66922882-G-T. GRCh37 (hg19) VCF-style: chr14-67389599-G-T.
Other names: c.673G>T, p.Ala225Ser (NM_001024218.2, NM_001377515.1, NM_001377516.1 and 2 more transcripts); c.712G>T, p.Ala238Ser (NM_001377514.1, NM_001377519.1); short protein forms A225S, A238S.
Identifiers: ClinVar variation 3713534 (VCV003713534.2).

ClinVar aggregate classification (germline): Uncertain significance (1 of 4 stars; one submission).

Conditions:
Sulfite oxidase deficiency due to molybdenum cofactor deficiency type C. Also called: Molybdenum cofactor deficiency, complementation group C; Molybdenum cofactor deficiency C. Identifiers: Orphanet 308400, Orphanet 833, MedGen C1854990, MONDO:0014212, OMIM 615501.

Submission:

Labcorp Genetics (formerly Invitae), Labcorp
Classification: Uncertain significance for Sulfite oxidase deficiency due to molybdenum cofactor deficiency type C. Last evaluated: 2024-10-31. Review status: criteria provided, single submitter. Criteria: Invitae Variant Classification Sherloc (09022015). Collection method: clinical testing. Allele origin: germline.
Comment: This sequence change replaces alanine, which is neutral and non-polar, with serine, which is neutral and polar, at codon 225 of the GPHN protein (p.Ala225Ser). This variant is not present in population databases (gnomAD no frequency). This variant has not been reported in the literature in individuals affected with GPHN-related conditions. Invitae Evidence Modeling of protein sequence and biophysical properties (such as structural, functional, and spatial information, amino acid conservation, physicochemical variation, residue mobility, and thermodynamic stability) indicates that this missense variant is not expected to disrupt GPHN protein function with a negative predictive value of 80%. In summary, the available evidence is currently insufficient to determine the role of this variant in disease. Therefore, it has been classified as a Variant of Uncertain Significance.